The following is an entry in ClinVar:

NM_003098.3(SNTA1):c.503A>G (p.Tyr168Cys)

Gene: SNTA1 (syntrophin alpha 1; minus strand). Cytogenetic location: 20q11.21.
Variant type: single nucleotide variant.
Coding change: c.503A>G on transcript NM_003098.3 (MANE Select); coding-DNA position 503, A replaced by G.
Protein change: p.Tyr168Cys; replaces tyrosine 168 with cysteine.
Molecular consequence: missense variant.
Genome position (GRCh38, 1-based): chr20:33,417,917, T>C on the plus strand (A>G on the coding strand, the complement: SNTA1 is on the minus strand). VCF-style: chr20-33417917-T-C. GRCh37 (hg19) VCF-style: chr20-32005723-T-C.
Other names: c.503A>G, p.Tyr168Cys (NM_001424413.1, NM_001424414.1); short protein forms Y168C.
Identifiers: ClinVar variation 3446788 (VCV003446788.1).

ClinVar aggregate classification (germline): Uncertain significance (1 of 4 stars; one submission).

Conditions:
Cardiovascular phenotype. Identifiers: MedGen CN230736.

Submission:

Ambry Genetics
Classification: Uncertain significance for Cardiovascular phenotype. Last evaluated: 2024-08-23. Review status: criteria provided, single submitter. Criteria: Ambry Variant Classification Scheme 2023. Collection method: clinical testing. Allele origin: germline.
Comment: The p.Y168C variant (also known as c.503A>G), located in coding exon 3 of the SNTA1 gene, results from an A to G substitution at nucleotide position 503. The tyrosine at codon 168 is replaced by cysteine, an amino acid with highly dissimilar properties. This amino acid position is conserved. In addition, this alteration is predicted to be deleterious by in silico analysis. Based on the available evidence, the clinical significance of this variant remains unclear.